The following is an entry in ClinVar:

ClinVar aggregate classification (germline): Uncertain significance (1 of 4 stars; one submission).

Conditions:
Charcot-Marie-Tooth disease type 4. Also called: Charcot-Marie-Tooth disease, type IV; Charcot-Marie-Tooth, Type 4. Identifiers: Orphanet 64749, MedGen C4082197, MONDO:0018995.

Submission:

Labcorp Genetics (formerly Invitae), Labcorp
Classification: Uncertain significance for Charcot-Marie-Tooth disease type 4. Last evaluated: 2018-10-05. Review status: criteria provided, single submitter. Criteria: Invitae Variant Classification Sherloc (09022015). Collection method: clinical testing. Allele origin: germline.
Comment: In summary, the available evidence is currently insufficient to determine the role of this variant in disease. Therefore, it has been classified as a Variant of Uncertain Significance. Algorithms developed to predict the effect of missense changes on protein structure and function (SIFT, PolyPhen-2, Align-GVGD) all suggest that this variant is likely to be disruptive, but these predictions have not been confirmed by published functional studies and their clinical significance is uncertain. This variant has not been reported in the literature in individuals with SH3TC2-related disease. This variant is not present in population databases (ExAC no frequency). This sequence change replaces lysine with methionine at codon 121 of the SH3TC2 protein (p.Lys121Met). The lysine residue is highly conserved and there is a moderate physicochemical difference between lysine and methionine.

NM_024577.4(SH3TC2):c.362A>T (p.Lys121Met)

Gene: SH3TC2 (SH3 domain and tetratricopeptide repeats 2; minus strand). Cytogenetic location: 5q32.
Variant type: single nucleotide variant.
Coding change: c.362A>T on transcript NM_024577.4 (MANE Select); coding-DNA position 362, A replaced by T.
Protein change: p.Lys121Met; replaces lysine 121 with methionine.
Molecular consequence: missense variant.
Genome position (GRCh38, 1-based): chr5:149,044,556, T>A on the plus strand (A>T on the coding strand, the complement: SH3TC2 is on the minus strand). VCF-style: chr5-149044556-T-A. GRCh37 (hg19) VCF-style: chr5-148424119-T-A.
Other names: short protein forms K121M.
Identifiers: ClinVar variation 649185 (VCV000649185.8), dbSNP rs1580912012, ClinGen allele CA361676617.